The following is an entry in ClinVar:

ClinVar aggregate classification (germline): Uncertain significance. Review status: criteria provided, multiple submitters, no conflicts (2 of 4 stars). 2 submissions from 2 submitters: Uncertain significance (2). Last evaluated 2024-06-04.

Allele frequency attached by ClinVar (database versions not stated): gnomAD 0.00001; ExAC 0.00002; TOPMed 0.00002.
gnomAD v4.1: 30 of 1,614,098 alleles (0.0019%); highest among the groups gnomAD compares: Non-Finnish European, 0.0023%; no homozygotes.

Submissions (2):

Blueprint Genetics
Classification: Uncertain significance. Last evaluated: 2024-06-04. Review status: criteria provided, single submitter. Criteria: ACMG Guidelines, 2015. Collection method: clinical testing. Allele origin: germline.

Labcorp Genetics (formerly Invitae), Labcorp
Classification: Uncertain significance. Last evaluated: 2022-08-29. Review status: criteria provided, single submitter. Criteria: Invitae Variant Classification Sherloc (09022015). Collection method: clinical testing. Allele origin: germline.
Comment: This sequence change replaces glutamine, which is neutral and polar, with arginine, which is basic and polar, at codon 409 of the DENND5A protein (p.Gln409Arg). This variant is present in population databases (rs748221251, gnomAD 0.002%). This variant has not been reported in the literature in individuals affected with DENND5A-related conditions. Algorithms developed to predict the effect of missense changes on protein structure and function are either unavailable or do not agree on the potential impact of this missense change (SIFT: "Tolerated"; PolyPhen-2: "Possibly Damaging"; Align-GVGD: "Class C0"). In summary, the available evidence is currently insufficient to determine the role of this variant in disease. Therefore, it has been classified as a Variant of Uncertain Significance.

NM_015213.4(DENND5A):c.1226A>G (p.Gln409Arg)

Gene: DENND5A (DENN domain containing 5A; minus strand). Cytogenetic location: 11p15.4.
Variant type: single nucleotide variant.
Coding change: c.1226A>G on transcript NM_015213.4 (MANE Select); coding-DNA position 1226, A replaced by G.
Protein change: p.Gln409Arg; replaces glutamine 409 with arginine.
Molecular consequence: missense variant. On other transcripts: non-coding transcript variant (1).
Genome position (GRCh38, 1-based): chr11:9,180,996, T>C on the plus strand (A>G on the coding strand, the complement: DENND5A is on the minus strand). VCF-style: chr11-9180996-T-C. GRCh37 (hg19) VCF-style: chr11-9202543-T-C.
Other names: c.1226A>G, p.Gln409Arg (NM_001243254.2, NM_001348748.1); c.1154A>G, p.Gln385Arg (NM_001348749.2); c.938A>G, p.Gln313Arg (NM_001348750.2); short protein forms Q313R, Q409R, Q385R.
Identifiers: ClinVar variation 2060928 (VCV002060928.2), dbSNP rs748221251, ClinGen allele CA5877649.